The following is an entry in ClinVar:

NM_032608.7(MYO18B):c.5832+3A>G

Gene: MYO18B (myosin XVIIIB; plus strand). Cytogenetic location: 22q12.1.
Variant type: single nucleotide variant.
Coding change: c.5832+3A>G on transcript NM_032608.7 (MANE Select); 3 bases into the intron after coding-DNA position 5832, A replaced by G.
Molecular consequence: intron variant.
Genome position (GRCh38, 1-based): chr22:25,950,453, A>G. VCF-style: chr22-25950453-A-G. GRCh37 (hg19) VCF-style: chr22-26346419-A-G.
Other names: c.5835+3A>G (NM_001318245.2).
Identifiers: ClinVar variation 1932562 (VCV001932562.5), dbSNP rs781257801, ClinGen allele CA10161290.

ClinVar aggregate classification (germline): Uncertain significance (1 of 4 stars; one submission).

Allele frequency attached by ClinVar (database versions not stated): gnomAD exomes below 0.00001; ExAC 0.00002; TOPMed 0.00002.
gnomAD v4.1: 1 of 1,595,086 alleles (0.000063%); highest among the groups gnomAD compares: Admixed American, 0.0017%; no homozygotes.

Submission:

Labcorp Genetics (formerly Invitae), Labcorp
Classification: Uncertain significance. Last evaluated: 2022-03-11. Review status: criteria provided, single submitter. Criteria: Invitae Variant Classification Sherloc (09022015). Collection method: clinical testing. Allele origin: germline.
Comment: In summary, the available evidence is currently insufficient to determine the role of this variant in disease. Therefore, it has been classified as a Variant of Uncertain Significance. Variants that disrupt the consensus splice site are a relatively common cause of aberrant splicing (PMID: 17576681, 9536098). Algorithms developed to predict the effect of sequence changes on RNA splicing suggest that this variant may create or strengthen a splice site. This variant has not been reported in the literature in individuals affected with MYO18B-related conditions. This variant is present in population databases (rs781257801, gnomAD 0.006%). This sequence change falls in intron 37 of the MYO18B gene. It does not directly change the encoded amino acid sequence of the MYO18B protein. It affects a nucleotide within the consensus splice site.

Literature cited by the submitters: PubMed 17576681; PubMed 9536098.